The following is an entry in ClinVar:

ClinVar aggregate classification (germline): Conflicting classifications of pathogenicity. Review status: criteria provided, conflicting classifications (1 of 4 stars). 5 submissions from 5 submitters: Uncertain significance (1); Likely benign (3). 1 of the submissions does not count toward it. Last evaluated 2026-01-26.

Conditions:
Cardiovascular phenotype. Identifiers: MedGen CN230736.
Alstrom syndrome (ALMS). Identifiers: Orphanet 64, MedGen C0268425, MONDO:0008763, OMIM 203800.

Allele frequency attached by ClinVar (database versions not stated): ExAC 0.00002; gnomAD exomes 0.00002 and 0.00003; TOPMed 0.00003; gnomAD 0.00006 and 0.00007; ESP Exome Variant Server 0.00017.
gnomAD v4.1: 60 of 1,614,074 alleles (0.0037%); highest among the groups gnomAD compares: Non-Finnish European, 0.0048%; no homozygotes.

Submissions (5):

Labcorp Genetics (formerly Invitae), Labcorp
Classification: Likely benign for Alstrom syndrome. Last evaluated: 2026-01-26. Review status: criteria provided, single submitter. Criteria: Invitae Variant Classification Sherloc (09022015). Collection method: clinical testing. Allele origin: germline.

Blueprint Genetics
Classification: Likely benign. Last evaluated: 2023-12-01. Review status: criteria provided, single submitter. Criteria: ACMG Guidelines, 2015. Collection method: clinical testing. Allele origin: germline.

GeneDx
Classification: Uncertain significance. Last evaluated: 2022-08-12. Review status: criteria provided, single submitter. Criteria: GeneDx Variant Classification Process June 2021. Collection method: clinical testing. Allele origin: germline. Affected: yes.
Comment: Not observed at significant frequency in large population cohorts (gnomAD); In silico analysis supports that this variant does not alter splicing; Has not been previously published as pathogenic or benign to our knowledge

Ambry Genetics
Classification: Likely benign for Cardiovascular phenotype. Last evaluated: 2019-05-19. Review status: criteria provided, single submitter. Criteria: Ambry Variant Classification Scheme 2023. Collection method: clinical testing. Allele origin: germline.

Counsyl
Classification: Likely benign for Alstrom syndrome. Last evaluated: 2017-01-06. Review status: no assertion criteria provided. Collection method: clinical testing. Allele origin: unknown. Not counted in ClinVar's aggregate classification.

NM_001378454.1(ALMS1):c.9321A>G (p.Val3107=)

Gene: ALMS1 (ALMS1 centrosome and basal body associated protein; plus strand). Cytogenetic location: 2p13.1.
Variant type: single nucleotide variant.
Coding change: c.9321A>G on transcript NM_001378454.1 (MANE Select); coding-DNA position 9321, A replaced by G.
Protein change: p.Val3107=; no amino-acid change (valine 3107 retained).
Molecular consequence: synonymous variant.
Genome position (GRCh38, 1-based): chr2:73,491,280, A>G. VCF-style: chr2-73491280-A-G. GRCh37 (hg19) VCF-style: chr2-73718407-A-G.
Other names: c.9324A>G, p.Val3108= (NM_015120.4).
Identifiers: ClinVar variation 550082 (VCV000550082.14), dbSNP rs371108940, ClinGen allele CA1714634.